The following is an entry in ClinVar:

ClinVar aggregate classification (germline): Uncertain significance. Review status: criteria provided, multiple submitters, no conflicts (2 of 4 stars). 2 submissions from 2 submitters: Uncertain significance (2). Last evaluated 2026-01-12.

Conditions:
Combined immunodeficiency due to LRBA deficiency. Also called: Common variable immunodeficiency 8, with autoimmunity. Identifiers: Orphanet 445018, MedGen C3553512, MONDO:0013863, OMIM 614700.

Allele frequency attached by ClinVar (database versions not stated): TOPMed 0.00001.
gnomAD v4.1: 9 of 1,582,938 alleles (0.00057%); highest among the groups gnomAD compares: Admixed American, 0.018%; no homozygotes.

Submissions (2):

Labcorp Genetics (formerly Invitae), Labcorp
Classification: Uncertain significance for Combined immunodeficiency due to LRBA deficiency. Last evaluated: 2026-01-12. Review status: criteria provided, single submitter. Criteria: Invitae Variant Classification Sherloc (09022015). Collection method: clinical testing. Allele origin: germline.
Comment: This sequence change replaces alanine, which is neutral and non-polar, with serine, which is neutral and polar, at codon 2559 of the LRBA protein (p.Ala2559Ser). This variant is present in population databases (rs780327383, gnomAD 0.04%). This missense change has been observed in individual(s) with clinical features of LRBA-related conditions (internal data). ClinVar contains an entry for this variant (Variation ID: 540383). Invitae Evidence Modeling of protein sequence and biophysical properties (such as structural, functional, and spatial information, amino acid conservation, physicochemical variation, residue mobility, and thermodynamic stability) indicates that this missense variant is not expected to disrupt LRBA protein function with a negative predictive value of 80%. In summary, the available evidence is currently insufficient to determine the role of this variant in disease. Therefore, it has been classified as a Variant of Uncertain Significance.

Blueprint Genetics
Classification: Uncertain significance. Last evaluated: 2020-01-07. Review status: criteria provided, single submitter. Criteria: ACMG Guidelines, 2015. Collection method: clinical testing. Allele origin: germline.

NM_001364905.1(LRBA):c.7642G>T (p.Ala2548Ser)

Gene: LRBA (LPS responsive beige-like anchor protein; minus strand). Cytogenetic location: 4q31.3.
Variant type: single nucleotide variant.
Coding change: c.7642G>T on transcript NM_001364905.1 (MANE Select); coding-DNA position 7642, G replaced by T.
Protein change: p.Ala2548Ser; replaces alanine 2548 with serine.
Molecular consequence: missense variant.
Genome position (GRCh38, 1-based): chr4:150,315,612, C>A on the plus strand (G>T on the coding strand, the complement: LRBA is on the minus strand). VCF-style: chr4-150315612-C-A. GRCh37 (hg19) VCF-style: chr4-151236764-C-A.
Other names: c.7642G>T, p.Ala2548Ser (NM_001199282.3); c.7657G>T, p.Ala2553Ser (NM_001367550.1); c.7675G>T, p.Ala2559Ser (NM_006726.5); short protein forms A2559S, A2548S, A2553S.
Identifiers: ClinVar variation 540383 (VCV000540383.8), dbSNP rs780327383, ClinGen allele CA3101581.